The following is an entry in ClinVar:

NM_015135.3(NUP205):c.2906G>A (p.Gly969Glu)

Gene: NUP205 (nucleoporin 205; plus strand). Cytogenetic location: 7q33.
Variant type: single nucleotide variant.
Coding change: c.2906G>A on transcript NM_015135.3 (MANE Select); coding-DNA position 2906, G replaced by A.
Protein change: p.Gly969Glu; replaces glycine 969 with glutamic acid.
Molecular consequence: missense variant.
Genome position (GRCh38, 1-based): chr7:135,606,751, G>A. VCF-style: chr7-135606751-G-A. GRCh37 (hg19) VCF-style: chr7-135291499-G-A.
Other names: c.1832G>A, p.Gly611Glu (NM_001329434.2); short protein forms G611E, G969E.
Identifiers: ClinVar variation 2960471 (VCV002960471.3), dbSNP rs147722934, ClinGen allele CA4498463.
Genomic context (GRCh38, chr7:135,606,751, plus strand): 5'-ATTTGACTTACGTTAACTTTCCACTGTTTTGTAATTTTGTTTTGTGATTTCTGCATTAAG[G>A]ATCAGAACTTGAAAAGAAATTAGTTGCAATTCGTCATGAAACAAGAATCCACATCTTGAA-3'
Protein context (NP_055950.2, residues 959-979): DAEEFVRLEE[Gly969Glu]SELEKKLVAI

ClinVar aggregate classification (germline): Uncertain significance (1 of 4 stars; one submission).

Submission:

Labcorp Genetics (formerly Invitae), Labcorp
Classification: Uncertain significance. Last evaluated: 2025-01-20. Review status: criteria provided, single submitter. Criteria: Invitae Variant Classification Sherloc (09022015). Collection method: clinical testing. Allele origin: germline.
Comment: This sequence change replaces glycine, which is neutral and non-polar, with glutamic acid, which is acidic and polar, at codon 969 of the NUP205 protein (p.Gly969Glu). This variant is present in population databases (rs147722934, gnomAD 0.007%). This variant has not been reported in the literature in individuals affected with NUP205-related conditions. ClinVar contains an entry for this variant (Variation ID: 2960471). An algorithm developed to predict the effect of missense changes on protein structure and function outputs the following: PolyPhen-2: "Benign". The glutamic acid amino acid residue is found in multiple mammalian species, which suggests that this missense change does not adversely affect protein function. In summary, the available evidence is currently insufficient to determine the role of this variant in disease. Therefore, it has been classified as a Variant of Uncertain Significance.